The following is an entry in ClinVar:

ClinVar aggregate classification (germline): Benign/Likely benign. Review status: criteria provided, multiple submitters, no conflicts (2 of 4 stars). 2 submissions from 2 submitters: Benign (1); Likely benign (1). Last evaluated 2023-09-14.

Conditions:
Adams-Oliver syndrome 5 (AOS5). Identifiers: Orphanet 974, MedGen C4014970, MONDO:0014459, OMIM 616028.

Allele frequency attached by ClinVar (database versions not stated): gnomAD exomes below 0.00001.
gnomAD v4.1: 2 of 1,611,998 alleles (0.00012%); highest among the groups gnomAD compares: East Asian, 0.0022%; no homozygotes.

Submissions (2):

Labcorp Genetics (formerly Invitae), Labcorp
Classification: Benign for Adams-Oliver syndrome 5. Last evaluated: 2023-09-14. Review status: criteria provided, single submitter. Criteria: Invitae Variant Classification Sherloc (09022015). Collection method: clinical testing. Allele origin: germline.

GeneDx
Classification: Likely benign. Last evaluated: 2020-10-16. Review status: criteria provided, single submitter. Criteria: GeneDx Variant Classification Process June 2021. Collection method: clinical testing. Allele origin: germline. Affected: yes.
Comment: See Variant Classification Assertion Criteria.

NM_017617.5(NOTCH1):c.1284G>A (p.Lys428=)

Gene: NOTCH1 (notch receptor 1; minus strand). Cytogenetic location: 9q34.3.
Variant type: single nucleotide variant.
Coding change: c.1284G>A on transcript NM_017617.5 (MANE Select); coding-DNA position 1284, G replaced by A.
Protein change: p.Lys428=; no amino-acid change (lysine 428 retained).
Molecular consequence: synonymous variant.
Genome position (GRCh38, 1-based): chr9:136,517,909, C>T on the plus strand (G>A on the coding strand, the complement: NOTCH1 is on the minus strand). VCF-style: chr9-136517909-C-T. GRCh37 (hg19) VCF-style: chr9-139412361-C-T.
Identifiers: ClinVar variation 1678854 (VCV001678854.5), dbSNP rs1466608110, ClinGen allele CA467718286.
Genomic context (GRCh38, chr9:136,517,909, plus strand): 5'-TCGGGGGCCCGTGTAGCCCTGCAGACACTGGCACTCGAAGGAGCCCAGCGTGTTGATGCA[C>T]TTGCCCGCATGCTCGCAGGGGTTGGCACCTGGCGAGGGCACACGGGTGAGAGGCTGCTCC-3'
Protein context (NP_060087.3, residues 418-438): LGANPCEHAG[Lys428=]CINTLGSFEC